The following is an entry in ClinVar:

ClinVar aggregate classification (germline): Uncertain significance (1 of 4 stars; one submission).

Conditions:
Inborn genetic diseases. Identifiers: MedGen C0950123, MeSH D030342.

gnomAD v4.1: 8 of 1,610,634 alleles (0.0005%); highest among the groups gnomAD compares: African/African-American, 0.0094%; no homozygotes.

Submission:

Ambry Genetics
Classification: Uncertain significance for Inborn genetic diseases. Last evaluated: 2025-01-31. Review status: criteria provided, single submitter. Criteria: Ambry Variant Classification Scheme 2023. Collection method: clinical testing. Allele origin: germline.
Comment: The p.A27G variant (also known as c.80C>G) is located in coding exon 2 of the FANCA gene. The alanine at codon 27 is replaced by glycine, an amino acid with similar properties. This change occurs in the first base pair of coding exon 2. This amino acid position is conserved. In addition, this alteration is predicted to be tolerated by in silico analysis. Based on the available evidence, the clinical significance of this variant remains unclear.

NM_000135.4(FANCA):c.80C>G (p.Ala27Gly)

Gene: FANCA (FA complementation group A; minus strand). Cytogenetic location: 16q24.3.
Variant type: single nucleotide variant.
Coding change: c.80C>G on transcript NM_000135.4 (MANE Select); coding-DNA position 80, C replaced by G.
Protein change: p.Ala27Gly; replaces alanine 27 with glycine.
Molecular consequence: missense variant.
Genome position (GRCh38, 1-based): chr16:89,815,986, G>C on the plus strand (C>G on the coding strand, the complement: FANCA is on the minus strand). VCF-style: chr16-89815986-G-C. GRCh37 (hg19) VCF-style: chr16-89882394-G-C.
Other names: c.80C>G, p.Ala27Gly (NM_001018112.3, NM_001286167.3, NM_001351830.2); short protein forms A27G.
Identifiers: ClinVar variation 3848166 (VCV003848166.1).